The following is an entry in ClinVar:

NM_002473.6(MYH9):c.1380T>C (p.Asp460=)

Gene: MYH9 (myosin heavy chain 9; minus strand). Cytogenetic location: 22q12.3.
Variant type: single nucleotide variant.
Coding change: c.1380T>C on transcript NM_002473.6 (MANE Select); coding-DNA position 1380, T replaced by C.
Protein change: p.Asp460=; no amino-acid change (aspartic acid 460 retained).
Molecular consequence: synonymous variant.
Genome position (GRCh38, 1-based): chr22:36,316,517, A>G on the plus strand (T>C on the coding strand, the complement: MYH9 is on the minus strand). VCF-style: chr22-36316517-A-G. GRCh37 (hg19) VCF-style: chr22-36712562-A-G.
Identifiers: ClinVar variation 228923 (VCV000228923.7), dbSNP rs876657891, ClinGen allele CA10577138.

ClinVar aggregate classification (germline): Uncertain significance. Review status: criteria provided, multiple submitters, no conflicts (2 of 4 stars). 2 submissions from 2 submitters: Uncertain significance (2). Last evaluated 2022-11-02.

Allele frequency attached by ClinVar (database versions not stated): gnomAD exomes below 0.00001; gnomAD 0.00002; TOPMed 0.00002.
gnomAD v4.1: 6 of 1,614,026 alleles (0.00037%); highest among the groups gnomAD compares: African/African-American, 0.0067%; no homozygotes.

Submissions (2):

Labcorp Genetics (formerly Invitae), Labcorp
Classification: Uncertain significance. Last evaluated: 2022-11-02. Review status: criteria provided, single submitter. Criteria: Invitae Variant Classification Sherloc (09022015). Collection method: clinical testing. Allele origin: germline.
Comment: This sequence change affects codon 460 of the MYH9 mRNA. It is a 'silent' change, meaning that it does not change the encoded amino acid sequence of the MYH9 protein. It affects a nucleotide within the consensus splice site. This variant is not present in population databases (gnomAD no frequency). This variant has not been reported in the literature in individuals affected with MYH9-related conditions. ClinVar contains an entry for this variant (Variation ID: 228923). Algorithms developed to predict the effect of sequence changes on RNA splicing suggest that this variant is not likely to affect RNA splicing. In summary, the available evidence is currently insufficient to determine the role of this variant in disease. Therefore, it has been classified as a Variant of Uncertain Significance.

Laboratory for Molecular Medicine, Mass General Brigham Personalized Medicine
Classification: Uncertain significance. Last evaluated: 2015-07-30. Review status: criteria provided, single submitter. Criteria: LMM Criteria. Collection method: clinical testing. Allele origin: germline. Observed: 1 variant allele.
Comment: The p.Asp460Asp variant in MYH9 has not been previously reported in individuals with hearing loss and was absent from large population studies. This variant is located in the last base of the exon, which is part of the 5? splice region. Com putational tools do not suggest an impact to splicing; however, this information is not predictive enough to rule out pathogenicity. In summary, the clinical si gnificance of the p.Asp460Asp variant is uncertain.